The following is an entry in ClinVar:

ClinVar aggregate classification (germline): Uncertain significance. Review status: criteria provided, multiple submitters, no conflicts (2 of 4 stars). 2 submissions from 2 submitters: Uncertain significance (2). Last evaluated 2023-01-24.

Conditions:
Inborn genetic diseases. Identifiers: MedGen C0950123, MeSH D030342.

Allele frequency attached by ClinVar (database versions not stated): gnomAD exomes below 0.00001; ExAC 0.00001; ESP Exome Variant Server 0.00008.
gnomAD v4.1: 5 of 1,606,346 alleles (0.00031%); highest among the groups gnomAD compares: Non-Finnish European, 0.00043%; no homozygotes.

Submissions (2):

Ambry Genetics
Classification: Uncertain significance for Inborn genetic diseases. Last evaluated: 2023-01-24. Review status: criteria provided, single submitter. Criteria: Ambry Variant Classification Scheme 2023. Collection method: clinical testing. Allele origin: germline.

Labcorp Genetics (formerly Invitae), Labcorp
Classification: Uncertain significance. Last evaluated: 2021-03-28. Review status: criteria provided, single submitter. Criteria: Invitae Variant Classification Sherloc (09022015). Collection method: clinical testing. Allele origin: germline.
Comment: This variant has not been reported in the literature in individuals with PCLO-related conditions. This variant is present in population databases (rs373659049, ExAC 0.002%). This sequence change replaces serine with tyrosine at codon 4799 of the PCLO protein (p.Ser4799Tyr). The serine residue is moderately conserved and there is a large physicochemical difference between serine and tyrosine. In summary, the available evidence is currently insufficient to determine the role of this variant in disease. Therefore, it has been classified as a Variant of Uncertain Significance. Algorithms developed to predict the effect of missense changes on protein structure and function are either unavailable or do not agree on the potential impact of this missense change (SIFT: "Deleterious"; PolyPhen-2: "Not Available"; Align-GVGD: "Class C0").

NM_033026.6(PCLO):c.14396C>A (p.Ser4799Tyr)

Gene: PCLO (piccolo presynaptic cytomatrix protein; minus strand). Cytogenetic location: 7q21.11.
Variant type: single nucleotide variant.
Coding change: c.14396C>A on transcript NM_033026.6 (MANE Select); coding-DNA position 14396, C replaced by A.
Protein change: p.Ser4799Tyr; replaces serine 4799 with tyrosine.
Molecular consequence: missense variant.
Genome position (GRCh38, 1-based): chr7:82,826,608, G>T on the plus strand (C>A on the coding strand, the complement: PCLO is on the minus strand). VCF-style: chr7-82826608-G-T. GRCh37 (hg19) VCF-style: chr7-82455924-G-T.
Other names: c.14396C>A, p.Ser4799Tyr (NM_014510.3); c.14396C>A (NM_033026.5); short protein forms S4799Y.
Identifiers: ClinVar variation 1431159 (VCV001431159.9), dbSNP rs373659049, ClinGen allele CA4318832.